The following is an entry in ClinVar:

ClinVar aggregate classification (germline): Uncertain significance (0 of 4 stars; one submission).

Allele frequency attached by ClinVar (database versions not stated): gnomAD exomes below 0.00001.
gnomAD v4.1: 1 of 1,612,944 alleles (0.000062%); highest among the groups gnomAD compares: South Asian, 0.0011%; no homozygotes.

Submission:

Department of Pathology and Laboratory Medicine, Sinai Health System
Classification: Uncertain significance. Review status: no assertion criteria provided. Collection method: clinical testing. Allele origin: unknown. Affected: yes. Study: The Canadian Open Genetics Repository (COGR).
Comment: The RAB3GAP1 p.Glu863Ala variant was not identified in the literature nor was it identified in dbSNP, ClinVar, or in the following control databases: the 1000 Genomes Project, the NHLBI GO Exome Sequencing Project, or the Genome Aggregation Database (March 6, 2019, v2.1.1). The p.Glu863 residue is conserved in mammals and computational analyses (PolyPhen-2, SIFT, AlignGVGD, BLOSUM, MutationTaster) provide inconsistent predictions regarding the impact to the protein; this information is not very predictive of pathogenicity. The variant occurs outside of the splicing consensus sequence and three of four in silico or computational prediction software programs (SpliceSiteFinder, MaxEntScan, NNSPLICE, GeneSplicer) do not predict a greater than 10% difference in splicing; this is not very predictive of pathogenicity. In summary, based on the above information the clinical significance of this variant cannot be determined with certainty at this time. This variant is classified as a variant of uncertain significance.

NM_012233.3(RAB3GAP1):c.2588A>C (p.Glu863Ala)

Gene: RAB3GAP1 (RAB3 GTPase activating protein catalytic subunit 1; plus strand). Cytogenetic location: 2q21.3.
Variant type: single nucleotide variant.
Coding change: c.2588A>C on transcript NM_012233.3 (MANE Select); coding-DNA position 2588, A replaced by C.
Protein change: p.Glu863Ala; replaces glutamic acid 863 with alanine.
Molecular consequence: missense variant.
Genome position (GRCh38, 1-based): chr2:135,163,083, A>C. VCF-style: chr2-135163083-A-C. GRCh37 (hg19) VCF-style: chr2-135920653-A-C.
Other names: c.2588A>C, p.Glu863Ala (NM_001172435.2); short protein forms E863A.
Identifiers: ClinVar variation 1048830 (VCV001048830.1), dbSNP rs1234388277, ClinGen allele CA348586348.